The following is an entry in ClinVar:

ClinVar aggregate classification (germline): Uncertain significance (1 of 4 stars; one submission).

gnomAD v4.1: 1 of 1,598,086 alleles (0.000063%); no homozygotes.

Submission:

Labcorp Genetics (formerly Invitae), Labcorp
Classification: Uncertain significance. Last evaluated: 2025-09-18. Review status: criteria provided, single submitter. Criteria: Invitae Variant Classification Sherloc (09022015). Collection method: clinical testing. Allele origin: germline.
Comment: This sequence change replaces aspartic acid, which is acidic and polar, with glycine, which is neutral and non-polar, at codon 120 of the OPA1 protein (p.Asp120Gly). This variant is not present in population databases (gnomAD no frequency). This variant has not been reported in the literature in individuals affected with OPA1-related conditions. Invitae Evidence Modeling of protein sequence and biophysical properties (such as structural, functional, and spatial information, amino acid conservation, physicochemical variation, residue mobility, and thermodynamic stability) indicates that this missense variant is not expected to disrupt OPA1 protein function with a negative predictive value of 80%. In summary, the available evidence is currently insufficient to determine the role of this variant in disease. Therefore, it has been classified as a Variant of Uncertain Significance.

NM_130837.3(OPA1):c.359A>G (p.Asp120Gly)

Gene: OPA1 (OPA1 mitochondrial dynamin like GTPase; plus strand). Cytogenetic location: 3q29.
Variant type: single nucleotide variant.
Coding change: c.359A>G on transcript NM_130837.3 (MANE Select); coding-DNA position 359, A replaced by G.
Protein change: p.Asp120Gly; replaces aspartic acid 120 with glycine.
Molecular consequence: missense variant. On other transcripts: 5 prime UTR variant (2).
Genome position (GRCh38, 1-based): chr3:193,615,681, A>G. VCF-style: chr3-193615681-A-G. GRCh37 (hg19) VCF-style: chr3-193333470-A-G.
Other names: c.-14A>G (NM_001354663.2, NM_001354664.2); c.359A>G, p.Asp120Gly (NM_015560.3, NM_130831.3, NM_130832.3 and 4 more transcripts); short protein forms D120G.
Identifiers: ClinVar variation 4742047 (VCV004742047.1).